The following is an entry in ClinVar:

NM_033109.5(PNPT1):c.1027G>C (p.Val343Leu)

Gene: PNPT1 (polyribonucleotide nucleotidyltransferase 1; minus strand). Cytogenetic location: 2p16.1.
Variant type: single nucleotide variant.
Coding change: c.1027G>C on transcript NM_033109.5 (MANE Select); coding-DNA position 1027, G replaced by C.
Protein change: p.Val343Leu; replaces valine 343 with leucine.
Molecular consequence: missense variant.
Genome position (GRCh38, 1-based): chr2:55,667,908, C>G on the plus strand (G>C on the coding strand, the complement: PNPT1 is on the minus strand). VCF-style: chr2-55667908-C-G. GRCh37 (hg19) VCF-style: chr2-55895043-C-G.
Other names: short protein forms V343L.
Identifiers: ClinVar variation 1495066 (VCV001495066.5), dbSNP rs766839497, ClinGen allele CA1668252.

ClinVar aggregate classification (germline): Uncertain significance (1 of 4 stars; one submission).

Allele frequency attached by ClinVar (database versions not stated): gnomAD 0.00003 and 0.00004; ExAC 0.00004; TOPMed 0.00004.
gnomAD v4.1: 33 of 1,583,570 alleles (0.0021%); highest among the groups gnomAD compares: Non-Finnish European, 0.0026%; no homozygotes.

Submission:

Labcorp Genetics (formerly Invitae), Labcorp
Classification: Uncertain significance. Last evaluated: 2025-11-10. Review status: criteria provided, single submitter. Criteria: Invitae Variant Classification Sherloc (09022015). Collection method: clinical testing. Allele origin: germline.
Comment: This sequence change replaces valine, which is neutral and non-polar, with leucine, which is neutral and non-polar, at codon 343 of the PNPT1 protein (p.Val343Leu). This variant is present in population databases (rs766839497, gnomAD 0.008%). This variant has not been reported in the literature in individuals affected with PNPT1-related conditions. ClinVar contains an entry for this variant (Variation ID: 1495066). Invitae Evidence Modeling of protein sequence and biophysical properties (such as structural, functional, and spatial information, amino acid conservation, physicochemical variation, residue mobility, and thermodynamic stability) indicates that this missense variant is not expected to disrupt PNPT1 protein function with a negative predictive value of 80%. In summary, the available evidence is currently insufficient to determine the role of this variant in disease. Therefore, it has been classified as a Variant of Uncertain Significance.